The following is an entry in ClinVar:

NM_000441.2(SLC26A4):c.233A>G (p.Tyr78Cys)

Gene: SLC26A4 (solute carrier family 26 member 4; plus strand). Cytogenetic location: 7q22.3.
Variant type: single nucleotide variant.
Coding change: c.233A>G on transcript NM_000441.2 (MANE Select); coding-DNA position 233, A replaced by G.
Protein change: p.Tyr78Cys; replaces tyrosine 78 with cysteine.
Molecular consequence: missense variant.
Genome position (GRCh38, 1-based): chr7:107,663,364, A>G. VCF-style: chr7-107663364-A-G. GRCh37 (hg19) VCF-style: chr7-107303809-A-G.
Other names: c.233A>G (NM_000441.1); short protein forms Y78C.
Identifiers: ClinVar variation 2735063 (VCV002735063.6), dbSNP rs2129309178, ClinGen allele CA368845454.

ClinVar aggregate classification (germline): Pathogenic/Likely pathogenic. Review status: criteria provided, multiple submitters, no conflicts (2 of 4 stars). 3 submissions from 3 submitters: Pathogenic (2); Likely pathogenic (1). Last evaluated 2025-09-24.

Conditions:
Pendred syndrome (PDS). Also called: Pendred's syndrome; Pendred Syndrome (PDS); DEAFNESS WITH GOITER; GOITER-DEAFNESS SYNDROME; HYPOTHYROIDISM, CONGENITAL, DUE TO DYSHORMONOGENESIS, 2B; THYROID DYSHORMONOGENESIS 2B. Identifiers: Orphanet 705, MedGen C0271829, MONDO:0010134, OMIM 274600.

gnomAD v4.1: 3 of 1,614,104 alleles (0.00019%); highest among the groups gnomAD compares: Non-Finnish European, 0.00025%; no homozygotes.

Submissions (3):

Natera, Inc.
Classification: Likely pathogenic for Pendred syndrome. Last evaluated: 2025-09-24. Review status: criteria provided, single submitter. Criteria: Natera Variant Classification Schema (03/2026). Collection method: clinical testing. Allele origin: germline.
Comment: The c.233A>G variant in SLC26A4 is a missense variant predicted to cause substitution of tyrosine to cysteine at amino acid 78. This variant is rare in the general population with a frequency below the threshold expected for the associated phenotype(s). This variant has been observed in one or more individuals affected with the associated recessive disease, as either homozygous or compound heterozygous with a second variant (PMID: 40121402, 33152970, 14679580, 15355436). Functional studies show that this variant may disrupt protein function (PMID: 40121402). Computational prediction algorithms indicate this variant is likely to affect gene or protein function. Given the available evidence, this variant is classified as Likely Pathogenic.

Women's Health and Genetics/Laboratory Corporation of America, LabCorp
Classification: Pathogenic for Pendred syndrome. Last evaluated: 2025-07-11. Review status: criteria provided, single submitter. Criteria: LabCorp Variant Classification Summary - May 2015. Collection method: clinical testing. Allele origin: germline.
Comment: Variant summary: SLC26A4 c.233A>G (p.Tyr78Cys) results in a non-conservative amino acid change in the encoded protein sequence. Algorithms developed to predict the effect of missense changes on protein structure and function all suggest that this variant is likely to be disruptive. The variant was absent in 251490 control chromosomes. c.233A>G has been observed in individual(s) affected with Pendred Syndrome (Blons_2004, Kinoglu_2020, Prasad_2004, Bernardinelli_2025). These data indicate that the variant is likely to be associated with disease. At least one publication reports experimental evidence evaluating an impact on protein function (Bernardinelli_2025). The most pronounced variant effect results in reduced ion transport activity. The following publications have been ascertained in the context of this evaluation (PMID: 40121402, 15355436, 33152970, 14679580). ClinVar contains an entry for this variant (Variation ID: 2735063). Based on the evidence outlined above, the variant was classified as pathogenic.

Labcorp Genetics (formerly Invitae), Labcorp
Classification: Pathogenic. Last evaluated: 2023-06-09. Review status: criteria provided, single submitter. Criteria: Invitae Variant Classification Sherloc (09022015). Collection method: clinical testing. Allele origin: germline.
Comment: This sequence change replaces tyrosine, which is neutral and polar, with cysteine, which is neutral and slightly polar, at codon 78 of the SLC26A4 protein (p.Tyr78Cys). For these reasons, this variant has been classified as Pathogenic. This variant disrupts the p.Tyr78 amino acid residue in SLC26A4. Other variant(s) that disrupt this residue have been determined to be pathogenic (PMID: 14679580, 20483489; 33152970)). This suggests that this residue is clinically significant, and that variants that disrupt this residue are likely to be disease-causing. Advanced modeling of protein sequence and biophysical properties (such as structural, functional, and spatial information, amino acid conservation, physicochemical variation, residue mobility, and thermodynamic stability) performed at Invitae indicates that this missense variant is expected to disrupt SLC26A4 protein function. This missense change has been observed in individuals with clinical features of Pendred syndrome (PMID: 14679580, 33152970). This variant is not present in population databases (gnomAD no frequency).

Literature cited by the submitters: PubMed 40121402 (cited by Natera, Inc. and Women's Health and Genetics/Laboratory Corporation of America, LabCorp); PubMed 33152970 (cited by 3 submitters); PubMed 14679580 (cited by 3 submitters); PubMed 15355436 (cited by Natera, Inc. and Women's Health and Genetics/Laboratory Corporation of America, LabCorp); PubMed 20483489 (cited by Labcorp Genetics (formerly Invitae), Labcorp).